The following is an entry in ClinVar:

ClinVar aggregate classification (germline): Uncertain significance (1 of 4 stars; one submission).

Conditions:
Generalized epilepsy-paroxysmal dyskinesia syndrome (PNKD3). Also called: Generalized epilepsy and paroxysmal dyskinesia; Paroxysmal nonkinesigenic dyskinesia, 3, with or without generalized epilepsy. Identifiers: Orphanet 79137, MedGen C5574945, MONDO:0012276, OMIM 609446.

Submission:

Labcorp Genetics (formerly Invitae), Labcorp
Classification: Uncertain significance for Generalized epilepsy-paroxysmal dyskinesia syndrome. Last evaluated: 2025-03-10. Review status: criteria provided, single submitter. Criteria: Invitae Variant Classification Sherloc (09022015). Collection method: clinical testing. Allele origin: germline.
Comment: This sequence change replaces serine, which is neutral and polar, with tyrosine, which is neutral and polar, at codon 1150 of the KCNMA1 protein (p.Ser1150Tyr). This variant is not present in population databases (gnomAD no frequency). This variant has not been reported in the literature in individuals affected with KCNMA1-related conditions. ClinVar contains an entry for this variant (Variation ID: 2044875). An algorithm developed to predict the effect of missense changes on protein structure and function (PolyPhen-2) suggests that this variant is likely to be disruptive. In summary, the available evidence is currently insufficient to determine the role of this variant in disease. Therefore, it has been classified as a Variant of Uncertain Significance.

NM_001161352.2(KCNMA1):c.3623C>A (p.Ser1208Tyr)

Gene: KCNMA1 (potassium calcium-activated channel subfamily M alpha 1; minus strand). Cytogenetic location: 10q22.3.
Variant type: single nucleotide variant.
Coding change: c.3623C>A on transcript NM_001161352.2 (MANE Select); coding-DNA position 3623, C replaced by A.
Protein change: p.Ser1208Tyr; replaces serine 1208 with tyrosine.
Molecular consequence: missense variant.
Genome position (GRCh38, 1-based): chr10:76,887,354, G>T on the plus strand (C>A on the coding strand, the complement: KCNMA1 is on the minus strand). VCF-style: chr10-76887354-G-T. GRCh37 (hg19) VCF-style: chr10-78647112-G-T.
Other names: c.3572C>A, p.Ser1191Tyr (NM_001161353.2); c.3299C>A, p.Ser1100Tyr (NM_001271518.2); c.3539C>A, p.Ser1180Tyr (NM_001271519.2); c.3458C>A, p.Ser1153Tyr (NM_001322829.2, NM_001322836.2); c.3551C>A, p.Ser1184Tyr (NM_001322830.2); c.3449C>A, p.Ser1150Tyr (NM_001322832.2, NM_001410940.1, NM_002247.4); c.3542C>A, p.Ser1181Tyr (NM_001322835.2, NM_001322837.2); c.2996C>A, p.Ser999Tyr (NM_001322838.2); and 1 more; short protein forms S1150Y, S1154Y, S1180Y, S1184Y, S1191Y, S999Y, S1100Y, S1153Y.
Identifiers: ClinVar variation 2044875 (VCV002044875.4), dbSNP rs2548004506, ClinGen allele CA377402621.
Genomic context (GRCh38, chr10:76,887,354, plus strand): 5'-TGTTTGTCCCGGGACTCCCTGGACTTGGGCCGGTTCTGTCGGTTTGCTGTGGATGGGATG[G>T]AGTGAACAGAGGAGCTCTTCTTGCTGGAGGACTGCGACGAGTGGGAGGAATGGGACAGGC-3'
Protein context (NP_001154824.1, residues 1198-1218): SSSKKSSSVH[Ser1208Tyr]IPSTANRQNR